The following is an entry in ClinVar:

ClinVar aggregate classification (germline): Pathogenic (1 of 4 stars; one submission).

Conditions:
Familial adenomatous polyposis 1 (FAP1). Also called: FAMILIAL ADENOMATOUS POLYPOSIS 1, ATTENUATED; POLYPOSIS, ADENOMATOUS INTESTINAL. Identifiers: MedGen C2713442, MONDO:0021056, OMIM 175100. Disease mechanism: loss of function.

Submission:

Labcorp Genetics (formerly Invitae), Labcorp
Classification: Pathogenic for Familial adenomatous polyposis 1. Last evaluated: 2025-01-08. Review status: criteria provided, single submitter. Criteria: Invitae Variant Classification Sherloc (09022015). Collection method: clinical testing. Allele origin: germline.
Comment: This sequence change creates a premature translational stop signal (p.Glu2208*) in the APC gene. While this is not anticipated to result in nonsense mediated decay, it is expected to disrupt the last 636 amino acid(s) of the APC protein. This variant is not present in population databases (gnomAD no frequency). This variant has not been reported in the literature in individuals affected with APC-related conditions. This variant is expected to disrupt the EB1 and HDLG binding sites, which mediate interactions with the cytoskeleton (PMID: 15311282, 17293347). While functional studies have not been performed to directly test the effect on APC protein function, this suggests that disruption of the C-terminal portion of the protein is functionally important. This variant disrupts a region of the APC protein in which other variant(s) (p.Tyr2645Lysfs*14) have been determined to be pathogenic (PMID: 1316610, 8381579, 9824584, 22135120, 27081525; internal data). This suggests that this is a clinically significant region of the protein, and that variants that disrupt it are likely to be disease-causing. For these reasons, this variant has been classified as Pathogenic.

Literature cited by the submitters: PubMed 15311282; PubMed 17293347; PubMed 1316610; PubMed 8381579; PubMed 9824584; PubMed 22135120; PubMed 27081525.

NM_000038.6(APC):c.6622G>T (p.Glu2208Ter)

Gene: APC (APC regulator of Wnt signaling pathway; plus strand). Cytogenetic location: 5q22.2.
Variant type: single nucleotide variant.
Coding change: c.6622G>T on transcript NM_000038.6 (MANE Select); coding-DNA position 6622, G replaced by T.
Protein change: p.Glu2208Ter; replaces glutamic acid 2208 with a stop codon.
Molecular consequence: nonsense. On other transcripts: non-coding transcript variant (2).
Genome position (GRCh38, 1-based): chr5:112,842,216, G>T. VCF-style: chr5-112842216-G-T. GRCh37 (hg19) VCF-style: chr5-112177913-G-T.
Other names: c.6622G>T, p.Glu2208Ter (NM_001127510.3, NM_001354895.2, NM_001407450.1); c.6568G>T, p.Glu2190Ter (NM_001127511.3); c.6676G>T, p.Glu2226Ter (NM_001354896.2, NM_001407447.1, NM_001407448.1 and 1 more transcripts); c.6652G>T, p.Glu2218Ter (NM_001354897.2); c.6547G>T, p.Glu2183Ter (NM_001354898.2); c.6538G>T, p.Glu2180Ter (NM_001354899.2); c.6499G>T, p.Glu2167Ter (NM_001354900.2); c.6445G>T, p.Glu2149Ter (NM_001354901.2, NM_001407453.1); and 11 more; short protein forms E2236*, E1824*, E2082*, E2190*, E2226*, E2048*, E2125*, E2149*.
Identifiers: ClinVar variation 3728675 (VCV003728675.2).